The following is an entry in ClinVar:

NM_001142800.2(EYS):c.1136T>A (p.Leu379Ter)

Gene: EYS (EGF-like photoreceptor maintenance factor; minus strand). Cytogenetic location: 6q12.
Variant type: single nucleotide variant.
Coding change: c.1136T>A on transcript NM_001142800.2 (MANE Select); coding-DNA position 1136, T replaced by A.
Protein change: p.Leu379Ter; replaces leucine 379 with a stop codon.
Molecular consequence: nonsense.
Genome position (GRCh38, 1-based): chr6:65,402,526, A>T on the plus strand (T>A on the coding strand, the complement: EYS is on the minus strand). VCF-style: chr6-65402526-A-T. GRCh37 (hg19) VCF-style: chr6-66112419-A-T.
Other names: c.1136T>A, p.Leu379Ter (NM_001142801.2, NM_001292009.2, NM_198283.2); short protein forms L379*.
Identifiers: ClinVar variation 5011565 (VCV005011565.1).

ClinVar aggregate classification (germline): Pathogenic (1 of 4 stars; one submission).

Conditions:
Retinitis pigmentosa 25 (RP25). Identifiers: Orphanet 791, MedGen C1864446, MONDO:0011272, OMIM 602772.

Submission:

Myriad Genetics, Inc.
Classification: Pathogenic for Retinitis pigmentosa 25. Last evaluated: 2023-09-05. Review status: criteria provided, single submitter. Criteria: Myriad Autosomal Dominant, Autosomal Recessive and X-Linked Classification Criteria (2023). Collection method: clinical testing. Allele origin: unknown.
Comment: NM_001142800.1(EYS):c.1136T>A(L379*) is expected to be pathogenic in the context of retinitis pigmentosa, EYS-related. This variant is predicted to lead to an abnormal or absent protein product due to the creation of a premature termination codon in EYS, a gene where loss-of-function variants are known to be pathogenic. Please note: this variant was assessed in the context of healthy population screening.